The following is an entry in ClinVar:

ClinVar aggregate classification (germline): Likely benign (1 of 4 stars; one submission).

Conditions:
ABCD3-related disorder. Also called: ABCD3-related condition.

Submission:

PreventionGenetics, part of Exact Sciences
Classification: Likely benign for ABCD3-related condition. Last evaluated: 2026-04-02. Review status: criteria provided, single submitter. Criteria: ACMG Guidelines, 2015. Collection method: clinical testing. Allele origin: germline.
Comment: This variant is classified as likely benign based on ACMG/AMP sequence variant interpretation guidelines (Richards et al. 2015 PMID: 25741868, with internal and published modifications).

NM_002858.4(ABCD3):c.972T>C (p.Leu324=)

Gene: ABCD3 (ATP binding cassette subfamily D member 3; plus strand). Cytogenetic location: 1p21.3.
Variant type: single nucleotide variant.
Coding change: c.972T>C on transcript NM_002858.4 (MANE Select); coding-DNA position 972, T replaced by C.
Protein change: p.Leu324=; no amino-acid change (leucine 324 retained).
Molecular consequence: synonymous variant.
Genome position (GRCh38, 1-based): chr1:94,487,698, T>C. VCF-style: chr1-94487698-T-C. GRCh37 (hg19) VCF-style: chr1-94953254-T-C.
Identifiers: ClinVar variation 4993490 (VCV004993490.1).